The following is an entry in ClinVar:

NM_015259.6(ICOSLG):c.767C>T (p.Thr256Met)

Gene: ICOSLG (inducible T cell costimulator ligand; minus strand). Cytogenetic location: 21q22.3.
Variant type: single nucleotide variant.
Coding change: c.767C>T on transcript NM_015259.6 (MANE Select); coding-DNA position 767, C replaced by T.
Protein change: p.Thr256Met; replaces threonine 256 with methionine.
Molecular consequence: missense variant.
Genome position (GRCh38, 1-based): chr21:44,231,375, G>A on the plus strand (C>T on the coding strand, the complement: ICOSLG is on the minus strand). VCF-style: chr21-44231375-G-A. GRCh37 (hg19) VCF-style: chr21-45651258-G-A.
Other names: c.767C>T, p.Thr256Met (NM_001283050.2, NM_001395918.1); c.416C>T, p.Thr139Met (NM_001283051.2); c.512C>T, p.Thr171Met (NM_001283052.2); c.686C>T, p.Thr229Met (NM_001365759.2); short protein forms T229M, T256M, T139M, T171M.
Identifiers: ClinVar variation 1898164 (VCV001898164.5), dbSNP rs768585869, ClinGen allele CA321495773.

ClinVar aggregate classification (germline): Uncertain significance (1 of 4 stars; one submission).

Allele frequency attached by ClinVar (database versions not stated): ExAC 0.00003.

Submission:

Labcorp Genetics (formerly Invitae), Labcorp
Classification: Uncertain significance. Last evaluated: 2025-03-31. Review status: criteria provided, single submitter. Criteria: Invitae Variant Classification Sherloc (09022015). Collection method: clinical testing. Allele origin: germline.
Comment: This sequence change replaces threonine, which is neutral and polar, with methionine, which is neutral and non-polar, at codon 256 of the ICOSLG protein (p.Thr256Met). This variant is present in population databases (rs768585869, gnomAD 0.01%). This variant has not been reported in the literature in individuals affected with ICOSLG-related conditions. ClinVar contains an entry for this variant (Variation ID: 1898164). An algorithm developed to predict the effect of missense changes on protein structure and function outputs the following: PolyPhen-2: "Benign". The methionine amino acid residue is found in multiple mammalian species, which suggests that this missense change does not adversely affect protein function. In summary, the available evidence is currently insufficient to determine the role of this variant in disease. Therefore, it has been classified as a Variant of Uncertain Significance.